The following is an entry in ClinVar:

NM_001369.3(DNAH5):c.1663_1664insGCAGCAC (p.Met555fs)

Gene: DNAH5 (dynein axonemal heavy chain 5; minus strand). Cytogenetic location: 5p15.2.
Variant type: Insertion.
Coding change: c.1663_1664insGCAGCAC on transcript NM_001369.3 (MANE Select); coding-DNA positions 1663 to 1664, GCAGCAC inserted.
Protein change: p.Met555fs; shifts the reading frame from methionine 555.
Molecular consequence: frameshift variant.
Genome position: GRCh38 VCF-style: chr5-13902119-A-AGTGCTGC. GRCh37 (hg19) VCF-style: chr5-13902228-A-AGTGCTGC.
Other names: short protein forms M555fs.
Identifiers: ClinVar variation 5010945 (VCV005010945.1).
Genomic context (GRCh38, chr5:13,902,119, plus strand): 5'-AATTTCTTCAACATTCTTAGAGCTTGATTTGTGTTTTGAATCTTTGCAAATGTAACATCC[A>AGTGCTGC]TGAACTTCCGCAACTCGTTCTAAAACAGAATAAAATCTGATGATGAACAATAGAATTGGG-3'

ClinVar aggregate classification (germline): Pathogenic (1 of 4 stars; one submission).

Conditions:
Primary ciliary dyskinesia 3. Identifiers: Orphanet 244, MedGen C1837618, MONDO:0012085, OMIM 608644.

Submission:

Myriad Genetics, Inc.
Classification: Pathogenic for Primary ciliary dyskinesia 3. Last evaluated: 2024-05-14. Review status: criteria provided, single submitter. Criteria: Myriad Autosomal Dominant, Autosomal Recessive and X-Linked Classification Criteria (2023). Collection method: clinical testing. Allele origin: unknown.
Comment: NM_001369.2(DNAH5):c.1663_1664ins7(M555Sfs*24) is expected to be pathogenic in the context of primary ciliary dyskinesia, DNAH5-related. This variant is predicted to lead to an abnormal or absent protein product due to the creation of a premature termination codon in DNAH5, a gene where loss-of-function variants are known to be pathogenic. Please note: this variant was assessed in the context of healthy population screening.